The following is an entry in ClinVar:

ClinVar aggregate classification (germline): Uncertain significance (1 of 4 stars; one submission).

Conditions:
Familial thoracic aortic aneurysm and aortic dissection (TAAD). Also called: Thoracic aortic aneurysms and dissections. Identifiers: Orphanet 91387, MedGen C4707243, MONDO:0019625.

Submission:

Color Diagnostics, LLC DBA Color Health
Classification: Uncertain significance for Familial thoracic aortic aneurysm and aortic dissection. Last evaluated: 2025-09-05. Review status: criteria provided, single submitter. Criteria: ACMG Guidelines, 2015. Collection method: clinical testing. Allele origin: germline.
Comment: This missense variant replaces glutamine with histidine at codon 1788 of the MYH11 protein. Computational prediction is inconclusive regarding the impact of this variant on protein structure and function. To our knowledge, functional studies have not been reported for this variant. This variant has not been reported in individuals affected with MYH11-related disorders in the literature. This variant has not been identified in the general population by the Genome Aggregation Database (gnomAD). The available evidence is insufficient to determine the role of this variant in disease conclusively. Therefore, this variant is classified as a Variant of Uncertain Significance.

NM_002474.3(MYH11):c.5343G>T (p.Gln1781His)

Genes: MYH11 (myosin heavy chain 11; minus strand), NDE1 (nudE neurodevelopment protein 1; plus strand). Cytogenetic location: 16p13.11.
Variant type: single nucleotide variant.
Coding change: c.5343G>T on transcript NM_002474.3 (MANE Select); coding-DNA position 5343, G replaced by T.
Protein change: p.Gln1781His; replaces glutamine 1781 with histidine.
Molecular consequence: missense variant. On other transcripts: intron variant (2).
Genome position (GRCh38, 1-based): chr16:15,717,301, C>A on the plus strand (G>T on the coding strand, the complement: MYH11 is on the minus strand). VCF-style: chr16-15717301-C-A. GRCh37 (hg19) VCF-style: chr16-15811158-C-A.
Other names: c.5364G>T, p.Gln1788His (NM_001040113.2, NM_001040114.2); c.5343G>T, p.Gln1781His (NM_022844.3); c.948-6890C>A (NM_001143979.2, NM_017668.3); short protein forms Q1781H, Q1788H.
Identifiers: ClinVar variation 4756406 (VCV004756406.1).